The following is an entry in ClinVar:

ClinVar aggregate classification (germline): Uncertain significance (1 of 4 stars; one submission).

Conditions:
Lethal multiple pterygium syndrome (LMPS). Identifiers: Orphanet 33108, MedGen C1854678, MONDO:0009668, OMIM 253290.

gnomAD v4.1: 2 of 1,614,154 alleles (0.00012%); highest among the groups gnomAD compares: East Asian, 0.0045%; no homozygotes.

Submission:

Labcorp Genetics (formerly Invitae), Labcorp
Classification: Uncertain significance for Lethal multiple pterygium syndrome. Last evaluated: 2024-08-28. Review status: criteria provided, single submitter. Criteria: Invitae Variant Classification Sherloc (09022015). Collection method: clinical testing. Allele origin: germline.
Comment: This sequence change replaces leucine, which is neutral and non-polar, with proline, which is neutral and non-polar, at codon 129 of the CHRNA1 protein (p.Leu129Pro). This variant is present in population databases (no rsID available, gnomAD 0.006%). This variant has not been reported in the literature in individuals affected with CHRNA1-related conditions. Invitae Evidence Modeling of protein sequence and biophysical properties (such as structural, functional, and spatial information, amino acid conservation, physicochemical variation, residue mobility, and thermodynamic stability) indicates that this missense variant is not expected to disrupt CHRNA1 protein function with a negative predictive value of 80%. In summary, the available evidence is currently insufficient to determine the role of this variant in disease. Therefore, it has been classified as a Variant of Uncertain Significance.

NM_000079.4(CHRNA1):c.386T>C (p.Leu129Pro)

Gene: CHRNA1 (cholinergic receptor nicotinic alpha 1 subunit; minus strand). Cytogenetic location: 2q31.1.
Variant type: single nucleotide variant.
Coding change: c.386T>C on transcript NM_000079.4 (MANE Select); coding-DNA position 386, T replaced by C.
Protein change: p.Leu129Pro; replaces leucine 129 with proline.
Molecular consequence: missense variant.
Genome position (GRCh38, 1-based): chr2:174,754,373, A>G on the plus strand (T>C on the coding strand, the complement: CHRNA1 is on the minus strand). VCF-style: chr2-174754373-A-G. GRCh37 (hg19) VCF-style: chr2-175619101-A-G.
Other names: c.461T>C, p.Leu154Pro (NM_001039523.3); short protein forms L129P, L154P.
Identifiers: ClinVar variation 3705654 (VCV003705654.2).